The following is an entry in ClinVar:

NM_001145308.5(LRTOMT):c.139del (p.Val46_Val47insTer)

Genes: LRTOMT (leucine rich transmembrane and O-methyltransferase domain containing; plus strand), TOMT (transmembrane O-methyltransferase; plus strand). Cytogenetic location: 11q13.4.
Variant type: Deletion.
Coding change: c.139del on transcript NM_001145308.5; coding-DNA position 139, one base deleted (G; older notation c.139delG).
Protein change: p.Val46_Val47insTer.
Molecular consequence: nonsense. On other transcripts: intron variant (1).
Genome position (GRCh38, 1-based): chr11:72,105,991, G deleted; the last of 2 consecutive G bases (chr11:72,105,990-72,105,991); deleting either gives the same sequence. VCF-style (leftmost placement, unchanged base first): chr11-72105989-TG-T. GRCh37 (hg19) VCF-style: chr11-71817035-TG-T.
Other names: c.40del, p.Val13_Val14insTer (NM_001393500.2); c.139del, p.Val46_Val47insTer (NM_001145309.4); c.84-65del (NM_001145310.4).
Identifiers: ClinVar variation 4707460 (VCV004707460.1).

ClinVar aggregate classification (germline): Pathogenic (1 of 4 stars; one submission).

Submission:

Labcorp Genetics (formerly Invitae), Labcorp
Classification: Pathogenic. Last evaluated: 2025-11-24. Review status: criteria provided, single submitter. Criteria: Invitae Variant Classification Sherloc (09022015). Collection method: clinical testing. Allele origin: germline.
Comment: This sequence change creates a premature translational stop signal (p.Val47*) in the LRTOMT gene. It is expected to result in an absent or disrupted protein product. Loss-of-function variants in LRTOMT are known to be pathogenic (PMID: 18953341, 23053991). This variant is present in population databases (no rsID available, gnomAD 0.004%). This variant has not been reported in the literature in individuals affected with LRTOMT-related conditions. For these reasons, this variant has been classified as Pathogenic.

Literature cited by the submitters: PubMed 18953341; PubMed 23053991.